The following is an entry in ClinVar:

ClinVar aggregate classification (germline): Uncertain significance. Review status: criteria provided, multiple submitters, no conflicts (2 of 4 stars). 2 submissions from 2 submitters: Uncertain significance (2). Last evaluated 2025-08-10.

Conditions:
Hereditary cancer-predisposing syndrome. Also called: Tumor predisposition; Hereditary neoplastic syndrome; Neoplastic Syndromes, Hereditary; Hereditary Cancer Syndrome. Identifiers: Orphanet 140162, MedGen C0027672, MeSH D009386, MONDO:0015356.
Cardiovascular phenotype. Identifiers: MedGen CN230736.
Neurofibromatosis, type 1 (NF1). Also called: VON RECKLINGHAUSEN DISEASE; NEUROFIBROMATOSIS, TYPE I, SOMATIC; Peripheral type neurofibromatosis; Neurofibromatosis, type I. Identifiers: Orphanet 636, MedGen C0027831, MONDO:0018975, OMIM 162200. Disease mechanism: loss of function.

Submissions (2):

Labcorp Genetics (formerly Invitae), Labcorp
Classification: Uncertain significance for Neurofibromatosis, type 1. Last evaluated: 2025-08-10. Review status: criteria provided, single submitter. Criteria: Invitae Variant Classification Sherloc (09022015). Collection method: clinical testing. Allele origin: germline.
Comment: This sequence change replaces arginine, which is basic and polar, with leucine, which is neutral and non-polar, at codon 681 of the NF1 protein (p.Arg681Leu). This variant is not present in population databases (gnomAD no frequency). This variant has not been reported in the literature in individuals affected with NF1-related conditions. ClinVar contains an entry for this variant (Variation ID: 1496882). Invitae Evidence Modeling of protein sequence and biophysical properties (such as structural, functional, and spatial information, amino acid conservation, physicochemical variation, residue mobility, and thermodynamic stability) has been performed for this missense variant. However, the output from this modeling did not meet the statistical confidence thresholds required to predict the impact of this variant on NF1 protein function. In summary, the available evidence is currently insufficient to determine the role of this variant in disease. Therefore, it has been classified as a Variant of Uncertain Significance.

Ambry Genetics
Classification: Uncertain significance for Cardiovascular phenotype; Hereditary cancer-predisposing syndrome. Last evaluated: 2021-03-24. Review status: criteria provided, single submitter. Criteria: Ambry Variant Classification Scheme 2023. Collection method: clinical testing. Allele origin: germline.
Comment: The p.R681L variant (also known as c.2042G>T), located in coding exon 18 of the NF1 gene, results from a G to T substitution at nucleotide position 2042. The arginine at codon 681 is replaced by leucine, an amino acid with dissimilar properties. This amino acid position is highly conserved in available vertebrate species. In addition, this alteration is predicted to be deleterious by in silico analysis. Since supporting evidence is limited at this time, the clinical significance of this alteration remains unclear.

NM_001042492.3(NF1):c.2042G>T (p.Arg681Leu)

Gene: NF1 (neurofibromin 1; plus strand). Cytogenetic location: 17q11.2.
Variant type: single nucleotide variant.
Coding change: c.2042G>T on transcript NM_001042492.3 (MANE Select); coding-DNA position 2042, G replaced by T.
Protein change: p.Arg681Leu; replaces arginine 681 with leucine.
Molecular consequence: missense variant.
Genome position (GRCh38, 1-based): chr17:31,226,475, G>T. VCF-style: chr17-31226475-G-T. GRCh37 (hg19) VCF-style: chr17-29553493-G-T.
Other names: c.2042G>T, p.Arg681Leu (NM_000267.4); short protein forms R681L.
Identifiers: ClinVar variation 1496882 (VCV001496882.10), dbSNP rs786201768, ClinGen allele CA398982066.
Genomic context (GRCh38, chr17:31,226,475, plus strand): 5'-CTTCCACCCTTGACTCTCAGGATAGTGCAGCAGGATGCAGCGGAACCCCCCCGATTTGCC[G>T]ACAAGCCCAGACCAAACTAGAAGTGGCCCTGTACATGTTTCTGTGGAACCCTGACACTGA-3'
Protein context (NP_001035957.1, residues 671-691): AGCSGTPPIC[Arg681Leu]QAQTKLEVAL